The following is an entry in ClinVar:

NM_001046.3(SLC12A2):c.1216A>C (p.Ile406Leu)

Gene: SLC12A2 (solute carrier family 12 member 2; plus strand). Cytogenetic location: 5q23.3.
Variant type: single nucleotide variant.
Coding change: c.1216A>C on transcript NM_001046.3 (MANE Select); coding-DNA position 1216, A replaced by C.
Protein change: p.Ile406Leu; replaces isoleucine 406 with leucine.
Molecular consequence: missense variant. On other transcripts: non-coding transcript variant (1).
Genome position (GRCh38, 1-based): chr5:128,134,192, A>C. VCF-style: chr5-128134192-A-C. GRCh37 (hg19) VCF-style: chr5-127469884-A-C.
Other names: c.1216A>C, p.Ile406Leu (NM_001256461.2); short protein forms I406L.
Identifiers: ClinVar variation 1936351 (VCV001936351.5), dbSNP rs1266278470, ClinGen allele CA360742153.

ClinVar aggregate classification (germline): Uncertain significance (1 of 4 stars; one submission).

Allele frequency attached by ClinVar (database versions not stated): TOPMed below 0.00001; gnomAD 0.00001.
gnomAD v4.1: 1 of 1,594,612 alleles (0.000063%); highest among the groups gnomAD compares: Non-Finnish European, 0.000086%; no homozygotes.

Submission:

Labcorp Genetics (formerly Invitae), Labcorp
Classification: Uncertain significance. Last evaluated: 2022-04-12. Review status: criteria provided, single submitter. Criteria: Invitae Variant Classification Sherloc (09022015). Collection method: clinical testing. Allele origin: germline.
Comment: In summary, the available evidence is currently insufficient to determine the role of this variant in disease. Therefore, it has been classified as a Variant of Uncertain Significance. Advanced modeling of protein sequence and biophysical properties (such as structural, functional, and spatial information, amino acid conservation, physicochemical variation, residue mobility, and thermodynamic stability) performed at Invitae indicates that this missense variant is not expected to disrupt SLC12A2 protein function. This variant has not been reported in the literature in individuals affected with SLC12A2-related conditions. The frequency data for this variant in the population databases is considered unreliable, as metrics indicate poor data quality at this position in the gnomAD database. This sequence change replaces isoleucine, which is neutral and non-polar, with leucine, which is neutral and non-polar, at codon 406 of the SLC12A2 protein (p.Ile406Leu).